The following is an entry in ClinVar:

NM_006206.6(PDGFRA):c.1576A>G (p.Thr526Ala)

Gene: PDGFRA (platelet derived growth factor receptor alpha; plus strand). Cytogenetic location: 4q12.
Variant type: single nucleotide variant.
Coding change: c.1576A>G on transcript NM_006206.6 (MANE Select); coding-DNA position 1576, A replaced by G.
Protein change: p.Thr526Ala; replaces threonine 526 with alanine.
Molecular consequence: missense variant.
Genome position (GRCh38, 1-based): chr4:54,274,548, A>G. VCF-style: chr4-54274548-A-G. GRCh37 (hg19) VCF-style: chr4-55140715-A-G.
Other names: c.1576A>G, p.Thr526Ala (NM_001347827.2, NM_001347829.2); c.1651A>G, p.Thr551Ala (NM_001347828.2); c.1615A>G, p.Thr539Ala (NM_001347830.2); short protein forms T539A, T526A, T551A.
Identifiers: ClinVar variation 2182649 (VCV002182649.5), dbSNP rs2110296202, ClinGen allele CA356892856.

ClinVar aggregate classification (germline): Uncertain significance. Review status: criteria provided, multiple submitters, no conflicts (2 of 4 stars). 2 submissions from 2 submitters: Uncertain significance (2). Last evaluated 2024-07-11.

Conditions:
Hereditary cancer-predisposing syndrome. Also called: Tumor predisposition; Hereditary Cancer Syndrome; Hereditary neoplastic syndrome; Neoplastic Syndromes, Hereditary. Identifiers: Orphanet 140162, MedGen C0027672, MeSH D009386, MONDO:0015356.
Gastrointestinal stromal tumor. Also called: Gastrointestinal stroma tumor; Gastrointestinal stromal tumor, somatic. Identifiers: Orphanet 44890, MedGen C0238198, MeSH D046152, MONDO:0011719, OMIM 606764, HP:0100723.

Submissions (2):

Ambry Genetics
Classification: Uncertain significance for Hereditary cancer-predisposing syndrome. Last evaluated: 2024-07-11. Review status: criteria provided, single submitter. Criteria: Ambry Variant Classification Scheme 2023. Collection method: clinical testing. Allele origin: germline.
Comment: The p.T526A variant (also known as c.1576A>G), located in coding exon 10 of the PDGFRA gene, results from an A to G substitution at nucleotide position 1576. The threonine at codon 526 is replaced by alanine, an amino acid with similar properties. This amino acid position is conserved. In addition, this alteration is predicted to be deleterious by in silico analysis. Based on the available evidence, the clinical significance of this variant remains unclear.

Labcorp Genetics (formerly Invitae), Labcorp
Classification: Uncertain significance for Gastrointestinal stromal tumor. Last evaluated: 2022-08-21. Review status: criteria provided, single submitter. Criteria: Invitae Variant Classification Sherloc (09022015). Collection method: clinical testing. Allele origin: germline.
Comment: In summary, the available evidence is currently insufficient to determine the role of this variant in disease. Therefore, it has been classified as a Variant of Uncertain Significance. Algorithms developed to predict the effect of missense changes on protein structure and function are either unavailable or do not agree on the potential impact of this missense change (SIFT: "Tolerated"; PolyPhen-2: "Probably Damaging"; Align-GVGD: "Class C0"). This variant has not been reported in the literature in individuals affected with PDGFRA-related conditions. This variant is not present in population databases (gnomAD no frequency). This sequence change replaces threonine, which is neutral and polar, with alanine, which is neutral and non-polar, at codon 526 of the PDGFRA protein (p.Thr526Ala).